The following is an entry in ClinVar:

ClinVar aggregate classification (germline): Uncertain significance. Review status: criteria provided, multiple submitters, no conflicts (2 of 4 stars). 2 submissions from 2 submitters: Uncertain significance (2). Last evaluated 2024-04-17.

Conditions:
Hereditary cancer-predisposing syndrome. Also called: Neoplastic Syndromes, Hereditary; Hereditary neoplastic syndrome; Tumor predisposition; Hereditary Cancer Syndrome. Identifiers: Orphanet 140162, MedGen C0027672, MeSH D009386, MONDO:0015356.

Submissions (2):

Ambry Genetics
Classification: Uncertain significance for Hereditary cancer-predisposing syndrome. Last evaluated: 2024-04-17. Review status: criteria provided, single submitter. Criteria: Ambry Variant Classification Scheme 2023. Collection method: clinical testing. Allele origin: germline.
Comment: The p.P201A variant (also known as c.601C>G), located in coding exon 5 of the CDH1 gene, results from a C to G substitution at nucleotide position 601. The proline at codon 201 is replaced by alanine, an amino acid with highly similar properties. This amino acid position is conserved. In addition, the in silico prediction for this alteration is inconclusive. Based on the available evidence, the clinical significance of this variant remains unclear.

Quest Diagnostics Nichols Institute San Juan Capistrano
Classification: Uncertain significance. Last evaluated: 2022-09-27. Review status: criteria provided, single submitter. Criteria: Quest Diagnostics criteria. Collection method: clinical testing. Allele origin: unknown.
Comment: This variant has not been described in online databases, and to the best of our knowledge, has not been reported in individuals with CDH1-related conditions in the published literature. It also has not been reported in large, multi-ethnic general populations. Analysis of this variant using bioinformatics tools for the prediction of the effect of amino acid changes on protein structure and function yielded predictions that this variant is damaging. Based on the available information, we are unable to determine the clinical significance of this variant.

NM_004360.5(CDH1):c.601C>G (p.Pro201Ala)

Gene: CDH1 (cadherin 1; plus strand). Cytogenetic location: 16q22.1.
Variant type: single nucleotide variant.
Coding change: c.601C>G on transcript NM_004360.5 (MANE Select); coding-DNA position 601, C replaced by G.
Protein change: p.Pro201Ala; replaces proline 201 with alanine.
Molecular consequence: missense variant. On other transcripts: 5 prime UTR variant (2).
Genome position (GRCh38, 1-based): chr16:68,808,762, C>G. VCF-style: chr16-68808762-C-G. GRCh37 (hg19) VCF-style: chr16-68842665-C-G.
Other names: c.601C>G, p.Pro201Ala (NM_001317184.2); c.-1015C>G (NM_001317185.2); c.-1219C>G (NM_001317186.2); short protein forms P201A.
Identifiers: ClinVar variation 2681858 (VCV002681858.2), dbSNP rs2152130165, ClinGen allele CA396457991.